The following is an entry in ClinVar:

ClinVar aggregate classification (germline): Pathogenic (1 of 4 stars; one submission).

Conditions:
Joubert syndrome and related disorders. Identifiers: Orphanet 140874, MedGen C5679612, MONDO:0015369.

Submission:

Myriad Genetics, Inc.
Classification: Pathogenic for Joubert syndrome and related disorders. Last evaluated: 2024-10-31. Review status: criteria provided, single submitter. Criteria: Myriad Autosomal Dominant, Autosomal Recessive and X-Linked Classification Criteria (2023). Collection method: clinical testing. Allele origin: unknown.
Comment: NM_001080522.2(CC2D2A):c.3948_3949delCT(Y1317Pfs*3) is expected to be pathogenic in the context of CC2D2A-related disorders. This variant is predicted to lead to an abnormal or absent protein product due to the creation of a premature termination codon in CC2D2A, a gene where loss-of-function variants are known to be pathogenic. Please note: this variant was assessed in the context of healthy population screening.

NM_001378615.1(CC2D2A):c.3948_3949del (p.Tyr1317fs)

Genes: CC2D2A (coiled-coil and C2 domain containing 2A; plus strand), FBXL5 (F-box and leucine rich repeat protein 5; minus strand). Cytogenetic location: 4p15.32.
Variant type: Deletion.
Coding change: c.3948_3949del on transcript NM_001378615.1 (MANE Select); coding-DNA positions 3948 to 3949, 2 bases deleted (CT; older notation c.3948_3949delCT).
Protein change: p.Tyr1317fs; shifts the reading frame from tyrosine 1317.
Molecular consequence: frameshift variant.
Genome position (GRCh38, 1-based): chr4:15,580,144-15,580,145, CT deleted; deleting any 2 consecutive bases within chr4:15,580,143-15,580,145 gives the same sequence; the c. name uses the placement nearest the transcript's 3' end. VCF-style (leftmost placement, unchanged base first): chr4-15580142-GTC-G. GRCh37 (hg19) VCF-style: chr4-15581765-GTC-G.
Other names: c.3948_3949del, p.Tyr1317fs (NM_001080522.2); c.3801_3802del, p.Tyr1268fs (NM_001378617.1); short protein forms Y1268fs, Y1317fs.
Identifiers: ClinVar variation 5013689 (VCV005013689.1).
Genomic context (GRCh38, chr4:15,580,142, plus strand): 5'-AAAACTGTTTTTATCACACGTTATCTCAAACCTTTAAACCCTCCTCAGGAGCTCCTTAAT[GTC>G]TACCCCAATAATCTACAGGCAACTGCAGTAAGTATTTCATAGTCAATAAGTGCTGTGCTA-3'